The following is an entry in ClinVar:

ClinVar aggregate classification (germline): Uncertain significance (1 of 4 stars; one submission).

Conditions:
Hereditary nonpolyposis colorectal neoplasms. Identifiers: MedGen C0009405, MeSH D003123.

Submission:

Labcorp Genetics (formerly Invitae), Labcorp
Classification: Uncertain significance for Hereditary nonpolyposis colorectal neoplasms. Last evaluated: 2022-09-01. Review status: criteria provided, single submitter. Criteria: Invitae Variant Classification Sherloc (09022015). Collection method: clinical testing. Allele origin: germline.
Comment: In summary, the available evidence is currently insufficient to determine the role of this variant in disease. Therefore, it has been classified as a Variant of Uncertain Significance. Algorithms developed to predict the effect of sequence changes on RNA splicing suggest that this variant may create or strengthen a splice site. Advanced modeling of protein sequence and biophysical properties (such as structural, functional, and spatial information, amino acid conservation, physicochemical variation, residue mobility, and thermodynamic stability) performed at Invitae indicates that this missense variant is not expected to disrupt PMS2 protein function. This variant has not been reported in the literature in individuals affected with PMS2-related conditions. The frequency data for this variant in the population databases (gnomAD) is considered unreliable due to the presence of homologous sequence, such as pseudogenes or paralogs, in the genome. This sequence change replaces methionine, which is neutral and non-polar, with valine, which is neutral and non-polar, at codon 817 of the PMS2 protein (p.Met817Val).

NM_000535.7(PMS2):c.2449A>G (p.Met817Val)

Gene: PMS2 (PMS1 homolog 2, mismatch repair system component; minus strand). Cytogenetic location: 7p22.1.
Variant type: single nucleotide variant.
Coding change: c.2449A>G on transcript NM_000535.7 (MANE Select); coding-DNA position 2449, A replaced by G.
Protein change: p.Met817Val; replaces methionine 817 with valine.
Molecular consequence: missense variant. On other transcripts: non-coding transcript variant (1).
Genome position (GRCh38, 1-based): chr7:5,973,539, T>C on the plus strand (A>G on the coding strand, the complement: PMS2 is on the minus strand). VCF-style: chr7-5973539-T-C. GRCh37 (hg19) VCF-style: chr7-6013170-T-C.
Other names: c.2044A>G, p.Met682Val (NM_001018040.1, NM_001322003.2, NM_001322004.2 and 12 more transcripts); c.2293A>G, p.Met765Val (NM_001322006.2); c.2131A>G, p.Met711Val (NM_001322007.2, NM_001322008.2, NM_001406883.1); c.2077A>G, p.Met693Val (NM_001322009.2, NM_001406887.1, NM_001406888.1); c.1888A>G, p.Met630Val (NM_001322010.2, NM_001406906.1, NM_001406907.1); c.1516A>G, p.Met506Val (NM_001322011.2, NM_001322012.2); c.1876A>G, p.Met626Val (NM_001322013.2, NM_001406908.1, NM_001406909.1); c.2482A>G, p.Met828Val (NM_001322014.2); and 20 more; short protein forms M416V, M506V, M560V, M578V, M626V, M630V, M646V, M655V.
Identifiers: ClinVar variation 2418103 (VCV002418103.6), dbSNP rs2128659286, ClinGen allele CA366735040.
Genomic context (GRCh38, chr7:5,973,539, plus strand): 5'-TCTCCCCCATGTGGGTGATCAGTTTCTTCATCTCGCTTGTGTTAAGAGCAGTCCCAATCA[T>C]CACCTGAGTGTGAGACACAATGGTTCAACGTTTTAGTAGTTTTTTGACGTCAGAATGGCA-3'
Protein context (NP_000526.2, residues 807-827): FASRACRKSV[Met817Val]IGTALNTSEM